The following is an entry in ClinVar:

ClinVar aggregate classification (germline): Benign. Review status: criteria provided, multiple submitters, no conflicts (2 of 4 stars). 2 submissions from 2 submitters: Benign (2). Last evaluated 2018-06-19.

Allele frequency attached by ClinVar (database versions not stated): 1000 Genomes Project 0.17272; 1000 Genomes Project 30x 0.17552; TOPMed 0.22089; gnomAD 0.22495 and 0.22517.
gnomAD v4.1: 34,338 of 151,944 alleles (23%); highest among the groups gnomAD compares: Admixed American, 35%; 4,898 homozygotes.

Submissions (2):

GeneDx
Classification: Benign. Last evaluated: 2018-06-19. Review status: criteria provided, single submitter. Criteria: GeneDx Variant Classification (06012015). Collection method: clinical testing. Allele origin: germline. Affected: yes.
Comment: This variant is considered likely benign or benign based on one or more of the following criteria: it is a conservative change, it occurs at a poorly conserved position in the protein, it is predicted to be benign by multiple in silico algorithms, and/or has population frequency not consistent with disease.

Breakthrough Genomics
Classification: Benign. Review status: criteria provided, single submitter. Criteria: ACMG Guidelines, 2015. Collection method: not provided. Allele origin: germline. Inheritance: Autosomal recessive inheritance. Affected: yes.

NM_004239.4(TRIP11):c.201+188A>C

Gene: TRIP11 (thyroid hormone receptor interactor 11; minus strand). Cytogenetic location: 14q32.12.
Variant type: single nucleotide variant.
Coding change: c.201+188A>C on transcript NM_004239.4 (MANE Select); 188 bases into the intron after coding-DNA position 201, A replaced by C.
Molecular consequence: intron variant.
Genome position (GRCh38, 1-based): chr14:92,033,004, T>G on the plus strand (A>C on the coding strand, the complement: TRIP11 is on the minus strand). VCF-style: chr14-92033004-T-G. GRCh37 (hg19) VCF-style: chr14-92499348-T-G.
Other names: c.198+188A>C (NM_001321851.1).
Identifiers: ClinVar variation 672116 (VCV000672116.2), dbSNP rs11621328, ClinGen allele CA15820355.